The following is an entry in ClinVar:

ClinVar aggregate classification (germline): Uncertain significance (1 of 4 stars; one submission).

Conditions:
Hereditary cancer-predisposing syndrome. Also called: Hereditary Cancer Syndrome; Neoplastic Syndromes, Hereditary; Tumor predisposition; Hereditary neoplastic syndrome. Identifiers: Orphanet 140162, MedGen C0027672, MeSH D009386, MONDO:0015356.

Submission:

Ambry Genetics
Classification: Uncertain significance for Hereditary cancer-predisposing syndrome. Last evaluated: 2015-12-22. Review status: criteria provided, single submitter. Criteria: Ambry Variant Classification Scheme 2023. Collection method: clinical testing. Allele origin: germline.
Comment: The p.L1591F variant (also known as c.4773G>T), located in coding exon 30 of the ATM gene, results from a G to T substitution at nucleotide position 4773. The leucine at codon 1591 is replaced by phenylalanine, an amino acid with highly similar properties. This variant was not reported in population based cohorts in the following databases: Database of Single Nucleotide Polymorphisms (dbSNP), NHLBI Exome Sequencing Project (ESP), and 1000 Genomes Project. In the ESP, this variant was not observed in 6495 samples (12990 alleles) with coverage at this position. To date, this alteration has been detected with an allele frequency of approximately 0.001% (greater than 125000 alleles tested) in our clinical cohort. This amino acid position is well conserved in available vertebrate species. In addition, this alteration is predicted to be tolerated by in silico analysis. Since supporting evidence is limited at this time, the clinical significance of this variant remains unclear.

NM_000051.4(ATM):c.4773G>T (p.Leu1591Phe)

Gene: ATM (ATM serine/threonine kinase; plus strand). Cytogenetic location: 11q22.3.
Variant type: single nucleotide variant.
Coding change: c.4773G>T on transcript NM_000051.4 (MANE Select); coding-DNA position 4773, G replaced by T.
Protein change: p.Leu1591Phe; replaces leucine 1591 with phenylalanine.
Molecular consequence: missense variant.
Genome position (GRCh38, 1-based): chr11:108,293,474, G>T. VCF-style: chr11-108293474-G-T. GRCh37 (hg19) VCF-style: chr11-108164201-G-T.
Other names: c.4773G>T, p.Leu1591Phe (NM_001351834.2); short protein forms L1591F.
Identifiers: ClinVar variation 1742987 (VCV001742987.2), dbSNP rs1345760669, ClinGen allele CA382535205.